The following is an entry in ClinVar:

NM_006371.5(CRTAP):c.641T>C (p.Val214Ala)

Gene: CRTAP (cartilage associated protein; plus strand). Cytogenetic location: 3p22.3.
Variant type: single nucleotide variant.
Coding change: c.641T>C on transcript NM_006371.5 (MANE Select); coding-DNA position 641, T replaced by C.
Protein change: p.Val214Ala; replaces valine 214 with alanine.
Molecular consequence: missense variant.
Genome position (GRCh38, 1-based): chr3:33,124,427, T>C. VCF-style: chr3-33124427-T-C. GRCh37 (hg19) VCF-style: chr3-33165919-T-C.
Other names: c.641T>C, p.Val214Ala (NM_001393363.1, NM_001393364.1); c.491T>C, p.Val164Ala (NM_001393365.1); short protein forms V214A, V164A.
Identifiers: ClinVar variation 284535 (VCV000284535.24), dbSNP rs146124454, ClinGen allele CA2300348.

ClinVar aggregate classification (germline): Benign. Review status: criteria provided, multiple submitters, no conflicts (2 of 4 stars). 8 submissions from 8 submitters: Benign (6). 2 of the submissions do not count toward it. Last evaluated 2026-02-01.

Conditions:
Osteogenesis imperfecta (OI). Identifiers: Orphanet 666, MedGen C0029434, MeSH D010013, MONDO:0019019.
Osteogenesis imperfecta type 7 (OI7). Also called: Osteogenesis imperfecta type 2B; OI type 2B; Osteogenesis imperfecta, perinatal lethal autosomal recessive; OI type IIB; OI type 7; OI type VII. Identifiers: MedGen C1853162, MONDO:0012536, OMIM 610682.

Allele frequency attached by ClinVar (database versions not stated): gnomAD 0.00061 and 0.00218; TOPMed 0.00088; gnomAD exomes 0.00315 and 0.00613; ExAC 0.00694; 1000 Genomes Project 30x 0.01171; 1000 Genomes Project 0.01238; ESP Exome Variant Server 0.00023.
gnomAD v4.1: 5,015 of 1,614,160 alleles (0.31%); highest among the groups gnomAD compares: South Asian, 4.3%; 132 homozygotes.

Submissions (8):

Labcorp Genetics (formerly Invitae), Labcorp
Classification: Benign for Osteogenesis imperfecta type 7. Last evaluated: 2026-02-01. Review status: criteria provided, single submitter. Criteria: Invitae Variant Classification Sherloc (09022015). Collection method: clinical testing. Allele origin: germline.

Genome Diagnostics Laboratory, The Hospital for Sick Children
Classification: Benign for Osteogenesis imperfecta. Last evaluated: 2022-05-25. Review status: criteria provided, single submitter. Criteria: ACMG Guidelines, 2015. Collection method: clinical testing. Allele origin: germline.

Illumina Laboratory Services, Illumina
Classification: Benign for Osteogenesis imperfecta type 7. Last evaluated: 2018-01-13. Review status: criteria provided, single submitter. Criteria: ICSL Variant Classification Criteria 13 December 2019. Collection method: clinical testing. Allele origin: germline.
Comment: This variant was observed in the ICSL laboratory as part of a predisposition screen in an ostensibly healthy population. It had not been previously curated by ICSL or reported in the Human Gene Mutation Database (HGMD: prior to June 1st, 2018), and was therefore a candidate for classification through an automated scoring system. Utilizing variant allele frequency, disease prevalence and penetrance estimates, and inheritance mode, an automated score was calculated to assess if this variant is too frequent to cause the disease. Based on the score and internal cut-off values, a variant classified as benign is not then subjected to further curation. The score for this variant resulted in a classification of benign for this disease.

GeneDx
Classification: Benign. Last evaluated: 2017-06-16. Review status: criteria provided, single submitter. Criteria: GeneDx Variant Classification (06012015). Collection method: clinical testing. Allele origin: germline. Affected: yes.
Comment: This variant is considered likely benign or benign based on one or more of the following criteria: it is a conservative change, it occurs at a poorly conserved position in the protein, it is predicted to be benign by multiple in silico algorithms, and/or has population frequency not consistent with disease.

Eurofins Ntd Llc (ga)
Classification: Benign. Last evaluated: 2015-11-13. Review status: criteria provided, single submitter. Criteria: EGL Classification Definitions 2015. Collection method: clinical testing. Allele origin: germline.

Breakthrough Genomics
Classification: Benign. Review status: criteria provided, single submitter. Criteria: ACMG Guidelines, 2015. Collection method: not provided. Allele origin: germline. Inheritance: Autosomal recessive inheritance. Affected: yes.

Genome Diagnostics Laboratory, Amsterdam University Medical Center
Classification: Benign. Review status: no assertion criteria provided. Collection method: clinical testing. Allele origin: germline. Affected: yes. Study: VKGL Data-share Consensus. Not counted in ClinVar's aggregate classification.

Laboratory of Diagnostic Genome Analysis, Leiden University Medical Center (LUMC)
Classification: Likely benign. Review status: no assertion criteria provided. Collection method: clinical testing. Allele origin: germline. Affected: yes. Study: VKGL Data-share Consensus. Not counted in ClinVar's aggregate classification.